The following is an entry in ClinVar:

NM_198253.3(TERT):c.17G>A (p.Arg6His)

Genes: TERT (telomerase reverse transcriptase; minus strand), LOC110806263 (TERT 5' regulatory region; plus strand). Cytogenetic location: 5p15.33.
Variant type: single nucleotide variant.
Coding change: c.17G>A on transcript NM_198253.3 (MANE Select); coding-DNA position 17, G replaced by A.
Protein change: p.Arg6His; replaces arginine 6 with histidine.
Molecular consequence: missense variant. On other transcripts: non-coding transcript variant (2).
Genome position (GRCh38, 1-based): chr5:1,294,973, C>T on the plus strand (G>A on the coding strand, the complement: TERT is on the minus strand). VCF-style: chr5-1294973-C-T. GRCh37 (hg19) VCF-style: chr5-1295088-C-T.
Other names: c.17G>A, p.Arg6His (NM_001193376.3); short protein forms R6H.
Identifiers: ClinVar variation 4843978 (VCV004843978.1).
Genomic context (GRCh38, chr5:1,294,973, plus strand): 5'-GTGGCCAGCGGCAGCACCTCGCGGTAGTGGCTGCGCAGCAGGGAGCGCACGGCTCGGCAG[C>T]GGGGAGCGCGCGGCATCGCGGGGGTGGCCGGGGCCAGGGCTTCCCACGTGCGCAGCAGGA-3'
Protein context (NP_937983.2, residues 1-16): MPRAP[Arg6His]CRAVRSLLRS

ClinVar aggregate classification (germline): Uncertain significance (1 of 4 stars; one submission).

Conditions:
Dyskeratosis congenita. Identifiers: Orphanet 1775, MedGen C0265965, MONDO:0015780.

gnomAD v4.1: 1 of 1,330,560 alleles (0.000075%); highest among the groups gnomAD compares: South Asian, 0.0022%; no homozygotes.

Submission:

Ambry Genetics
Classification: Uncertain significance for Dyskeratosis congenita. Last evaluated: 2026-02-18. Review status: criteria provided, single submitter. Criteria: Ambry Variant Classification Scheme 2023. Collection method: clinical testing. Allele origin: germline.
Comment: The p.R6H variant (also known as c.17G>A), located in coding exon 1 of the TERT gene, results from a G to A substitution at nucleotide position 17. The arginine at codon 6 is replaced by histidine, an amino acid with highly similar properties. This amino acid position is not well conserved in available vertebrate species. In addition, the in silico prediction for this alteration is inconclusive. Based on the available evidence, the clinical significance of this variant remains unclear.